The following is an entry in ClinVar:

NM_001130009.3(GEN1):c.2615A>C (p.Lys872Thr)

Gene: GEN1 (GEN1 structure-specific endonuclease; plus strand). Cytogenetic location: 2p24.2.
Variant type: single nucleotide variant.
Coding change: c.2615A>C on transcript NM_001130009.3 (MANE Select); coding-DNA position 2615, A replaced by C.
Protein change: p.Lys872Thr; replaces lysine 872 with threonine.
Molecular consequence: missense variant.
Genome position (GRCh38, 1-based): chr2:17,781,827, A>C. VCF-style: chr2-17781827-A-C. GRCh37 (hg19) VCF-style: chr2-17963094-A-C.
Other names: c.2615A>C, p.Lys872Thr (NM_182625.5); c.2615A>C (NM_001130009.1); short protein forms K872T.
Identifiers: ClinVar variation 1351273 (VCV001351273.7), dbSNP rs761499605, ClinGen allele CA1540987.

ClinVar aggregate classification (germline): Uncertain significance. Review status: criteria provided, multiple submitters, no conflicts (2 of 4 stars). 2 submissions from 2 submitters: Uncertain significance (2). Last evaluated 2025-01-22.

Allele frequency attached by ClinVar (database versions not stated): ExAC 0.00001; gnomAD exomes 0.00001 and 0.00003; TOPMed 0.00001.
gnomAD v4.1: 7 of 1,612,758 alleles (0.00043%); highest among the groups gnomAD compares: Admixed American, 0.012%; no homozygotes.

Submissions (2):

Ambry Genetics
Classification: Uncertain significance. Last evaluated: 2025-01-22. Review status: criteria provided, single submitter. Criteria: Ambry Variant Classification Scheme 2023. Collection method: clinical testing. Allele origin: germline.
Comment: The p.K872T variant (also known as c.2615A>C), located in coding exon 13 of the GEN1 gene, results from an A to C substitution at nucleotide position 2615. The lysine at codon 872 is replaced by threonine, an amino acid with similar properties. This amino acid position is conserved. In addition, this alteration is predicted to be tolerated by in silico analysis. Based on the available evidence, the clinical significance of this variant remains unclear.

Labcorp Genetics (formerly Invitae), Labcorp
Classification: Uncertain significance. Last evaluated: 2023-12-18. Review status: criteria provided, single submitter. Criteria: Invitae Variant Classification Sherloc (09022015). Collection method: clinical testing. Allele origin: germline.
Comment: This sequence change replaces lysine, which is basic and polar, with threonine, which is neutral and polar, at codon 872 of the GEN1 protein (p.Lys872Thr). This variant is present in population databases (rs761499605, gnomAD 0.02%). This variant has not been reported in the literature in individuals affected with GEN1-related conditions. ClinVar contains an entry for this variant (Variation ID: 1351273). An algorithm developed to predict the effect of missense changes on protein structure and function (PolyPhen-2) suggests that this variant is likely to be tolerated. In summary, the available evidence is currently insufficient to determine the role of this variant in disease. Therefore, it has been classified as a Variant of Uncertain Significance.